The following is an entry in ClinVar:

NM_031885.5(BBS2):c.1840A>G (p.Met614Val)

Gene: BBS2 (Bardet-Biedl syndrome 2; minus strand). Cytogenetic location: 16q13.
Variant type: single nucleotide variant.
Coding change: c.1840A>G on transcript NM_031885.5 (MANE Select); coding-DNA position 1840, A replaced by G.
Protein change: p.Met614Val; replaces methionine 614 with valine.
Molecular consequence: missense variant. On other transcripts: non-coding transcript variant (5).
Genome position (GRCh38, 1-based): chr16:56,497,037, T>C on the plus strand (A>G on the coding strand, the complement: BBS2 is on the minus strand). VCF-style: chr16-56497037-T-C. GRCh37 (hg19) VCF-style: chr16-56530949-T-C.
Other names: c.1840A>G, p.Met614Val (NM_001377456.1); short protein forms M614V.
Identifiers: ClinVar variation 2198337 (VCV002198337.2), dbSNP rs975131601, ClinGen allele CA281478560.

ClinVar aggregate classification (germline): Uncertain significance (1 of 4 stars; one submission).

Conditions:
Bardet-Biedl syndrome (BBS). Identifiers: Orphanet 110, MedGen C0752166, MONDO:0015229.

Allele frequency attached by ClinVar (database versions not stated): TOPMed below 0.00001.
gnomAD v4.1: 2 of 1,614,122 alleles (0.00012%); highest among the groups gnomAD compares: African/African-American, 0.0013%; no homozygotes.

Submission:

Labcorp Genetics (formerly Invitae), Labcorp
Classification: Uncertain significance for Bardet-Biedl syndrome. Last evaluated: 2022-05-22. Review status: criteria provided, single submitter. Criteria: Invitae Variant Classification Sherloc (09022015). Collection method: clinical testing. Allele origin: germline.
Comment: In summary, the available evidence is currently insufficient to determine the role of this variant in disease. Therefore, it has been classified as a Variant of Uncertain Significance. Algorithms developed to predict the effect of missense changes on protein structure and function are either unavailable or do not agree on the potential impact of this missense change (SIFT: "Deleterious"; PolyPhen-2: "Benign"; Align-GVGD: "Class C0"). This variant has not been reported in the literature in individuals affected with BBS2-related conditions. This variant is not present in population databases (gnomAD no frequency). This sequence change replaces methionine, which is neutral and non-polar, with valine, which is neutral and non-polar, at codon 614 of the BBS2 protein (p.Met614Val).